The following is an entry in ClinVar:

NM_007255.3(B4GALT7):c.474_475del (p.Ile159fs)

Gene: B4GALT7 (beta-1,4-galactosyltransferase 7; plus strand). Cytogenetic location: 5q35.3.
Variant type: Deletion.
Coding change: c.474_475del on transcript NM_007255.3 (MANE Select); coding-DNA positions 474 to 475, 2 bases deleted (CA; older notation c.474_475delCA).
Protein change: p.Ile159fs; shifts the reading frame from isoleucine 159.
Molecular consequence: frameshift variant.
Genome position (GRCh38, 1-based): chr5:177,607,362-177,607,363, CA deleted; deleting any 2 consecutive bases within chr5:177,607,361-177,607,363 gives the same sequence; the c. name uses the placement nearest the transcript's 3' end. VCF-style (leftmost placement, unchanged base first): chr5-177607360-TAC-T. GRCh37 (hg19) VCF-style: chr5-177034361-TAC-T.
Other names: short protein forms I159fs.
Identifiers: ClinVar variation 4759187 (VCV004759187.1).

ClinVar aggregate classification (germline): Pathogenic (1 of 4 stars; one submission).

Conditions:
Spondylodysplastic Ehlers-Danlos syndrome. Identifiers: Orphanet 536471, Orphanet 75496, MedGen C5680154, MONDO:0007526.

Submission:

Labcorp Genetics (formerly Invitae), Labcorp
Classification: Pathogenic for Spondylodysplastic Ehlers-Danlos syndrome. Last evaluated: 2025-09-04. Review status: criteria provided, single submitter. Criteria: Invitae Variant Classification Sherloc (09022015). Collection method: clinical testing. Allele origin: germline.
Comment: This sequence change creates a premature translational stop signal (p.Ile159Cysfs*6) in the B4GALT7 gene. It is expected to result in an absent or disrupted protein product. Loss-of-function variants in B4GALT7 are known to be pathogenic (PMID: 26940150, 31614862, 38431799). This variant is not present in population databases (gnomAD no frequency). This variant has not been reported in the literature in individuals affected with B4GALT7-related conditions. For these reasons, this variant has been classified as Pathogenic.

Literature cited by the submitters: PubMed 26940150; PubMed 31614862; PubMed 38431799.